The following is an entry in ClinVar:

ClinVar aggregate classification (germline): Uncertain significance (1 of 4 stars; one submission).

Conditions:
Tuberous sclerosis 2 (TSC2). Identifiers: Orphanet 805, MedGen C1860707, MONDO:0013199, OMIM 613254.

Submission:

Labcorp Genetics (formerly Invitae), Labcorp
Classification: Uncertain significance for Tuberous sclerosis 2. Last evaluated: 2024-01-08. Review status: criteria provided, single submitter. Criteria: Invitae Variant Classification Sherloc (09022015). Collection method: clinical testing. Allele origin: germline.
Comment: This sequence change replaces aspartic acid, which is acidic and polar, with alanine, which is neutral and non-polar, at codon 169 of the TSC2 protein (p.Asp169Ala). This variant is not present in population databases (gnomAD no frequency). This variant has not been reported in the literature in individuals affected with TSC2-related conditions. Advanced modeling of protein sequence and biophysical properties (such as structural, functional, and spatial information, amino acid conservation, physicochemical variation, residue mobility, and thermodynamic stability) performed at Invitae indicates that this missense variant is not expected to disrupt TSC2 protein function with a negative predictive value of 95%. In summary, the available evidence is currently insufficient to determine the role of this variant in disease. Therefore, it has been classified as a Variant of Uncertain Significance.

NM_000548.5(TSC2):c.506A>C (p.Asp169Ala)

Gene: TSC2 (TSC complex subunit 2; plus strand). Cytogenetic location: 16p13.3.
Variant type: single nucleotide variant.
Coding change: c.506A>C on transcript NM_000548.5 (MANE Select); coding-DNA position 506, A replaced by C.
Protein change: p.Asp169Ala; replaces aspartic acid 169 with alanine.
Molecular consequence: missense variant. On other transcripts: 5 prime UTR variant (13), non-coding transcript variant (5), intron variant (6).
Genome position (GRCh38, 1-based): chr16:2,055,426, A>C. VCF-style: chr16-2055426-A-C. GRCh37 (hg19) VCF-style: chr16-2105427-A-C.
Other names: c.506A>C, p.Asp169Ala (NM_001077183.3, NM_001114382.3, NM_001363528.2 and 8 more transcripts); c.395A>C, p.Asp132Ala (NM_001318827.2, NM_001406670.1, NM_001406678.1); c.359A>C, p.Asp120Ala (NM_001318829.2, NM_001406675.1, NM_001406676.1 and 1 more transcripts); c.539A>C, p.Asp180Ala (NM_001318832.2); c.596A>C, p.Asp199Ala (NM_001406667.1, NM_001406668.1); c.449A>C, p.Asp150Ala (NM_001406677.1); c.-311A>C (NM_001406680.1, NM_001406683.1, NM_001406687.1); c.44A>C, p.Asp15Ala (NM_001406681.1); and 6 more; short protein forms D180A, D150A, D169A, D199A, D120A, D132A, D15A.
Identifiers: ClinVar variation 2708235 (VCV002708235.3), dbSNP rs2151058974, ClinGen allele CA394309211.